The following is an entry in ClinVar:

NM_001173464.2(KIF21A):c.2861G>A (p.Arg954Gln)

Gene: KIF21A (kinesin family member 21A; minus strand). Cytogenetic location: 12q12.
Variant type: single nucleotide variant.
Coding change: c.2861G>A on transcript NM_001173464.2 (MANE Select); coding-DNA position 2861, G replaced by A.
Protein change: p.Arg954Gln; replaces arginine 954 with glutamine.
Molecular consequence: missense variant.
Genome position (GRCh38, 1-based): chr12:39,332,404, C>T on the plus strand (G>A on the coding strand, the complement: KIF21A is on the minus strand). VCF-style: chr12-39332404-C-T. GRCh37 (hg19) VCF-style: chr12-39726206-C-T.
Other names: c.2822G>A, p.Arg941Gln (NM_001173463.2, NM_017641.4); c.2753G>A, p.Arg918Gln (NM_001173465.2); c.2861G>A (NM_001173464.1); short protein forms R954Q, R941Q, R918Q.
Identifiers: ClinVar variation 2437 (VCV000002437.13), dbSNP rs121912586, ClinGen allele CA115555.

ClinVar aggregate classification (germline): Pathogenic. Review status: criteria provided, multiple submitters, no conflicts (2 of 4 stars). 7 submissions from 6 submitters: Pathogenic (5). 2 of the submissions do not count toward it. Last evaluated 2025-10-31.

Conditions:
KIF21A-related disorder. Also called: KIF21A-related condition.
Fibrosis of extraocular muscles, congenital, 3b. Identifiers: MedGen C2751105, MONDO:0800209.
Congenital fibrosis of extraocular muscles type 1. Also called: BLEPHAROPTOSIS WITH ABSENT EYE MOVEMENTS; FEOM1 LOCUS; CFEOM3B; OPHTHALMOPLEGIA, CONGENITAL. Identifiers: MedGen C1851102, MONDO:0021083, OMIM 135700.
Abnormality of eye movement. Identifiers: MedGen C0497202, HP:0000496.

Submissions (7):

PreventionGenetics, part of Exact Sciences
Classification: Pathogenic for KIF21A-related condition. Last evaluated: 2025-10-31. Review status: criteria provided, single submitter. Criteria: ACMG Guidelines, 2015. Collection method: clinical testing. Allele origin: germline.
Comment: The KIF21A c.2861G>A variant is predicted to result in the amino acid substitution p.Arg954Gln. This variant can also be designated as c.2822G>A (p.Arg941Gln) using transcript NM_017641.3. This variant has been reported both as de novo in individuals and as segregating with disease in kindreds with congenital fibrosis of the extraocular muscles (Yamada et al. 2003. PubMed ID: 14595441; Traboulsi et al. 2004. PubMed ID: 15747768; Yang et al. 2010. PubMed ID: 21042561; Jia et al. 2022. PubMed ID: 36494820). Alternate substitutions of this amino acid residue (p.Arg954Leu and p.Arg954Trp) have also been reported in individuals with congenital fibrosis of the extraocular muscles (Chan et al. 2007. PubMed ID: 17511870; Yamada et al. 2003. PubMed ID: 14595441). This variant is absent in a large population database (gnomAD), indicating this variant is rare. This variant is interpreted as pathogenic.

Clinical Genetics Laboratory, Skane University Hospital Lund
Classification: Pathogenic for Abnormality of eye movement. Last evaluated: 2024-06-03. Review status: criteria provided, single submitter. Criteria: ACMG Guidelines, 2015. Collection method: clinical testing. Allele origin: inherited. Inheritance: Autosomal dominant inheritance. Affected: yes.
Comment: PS4, PM2, PM5, PP1, PP3

GeneDx
Classification: Pathogenic. Last evaluated: 2022-06-09. Review status: criteria provided, single submitter. Criteria: GeneDx Variant Classification Process June 2021. Collection method: clinical testing. Allele origin: germline. Affected: yes.
Comment: In silico analysis supports that this missense variant has a deleterious effect on protein structure/function; Not observed at significant frequency in large population cohorts (gnomAD); In silico analysis supports a deleterious effect on splicing; This variant is associated with the following publications: (PMID: 23336411, 21042561, 14595441, 18332320, 15747768)

Blueprint Genetics
Classification: Pathogenic for KIF21A-related disorders. Last evaluated: 2020-06-11. Review status: criteria provided, single submitter. Criteria: ACMG Guidelines, 2015. Collection method: clinical testing. Allele origin: germline. Affected: yes. Observed: 1 variant allele.

Centre de Biologie Pathologie Génétique, Centre Hospitalier Universitaire de Lille
Classification: Pathogenic for Congenital fibrosis of extraocular muscles type 1. Review status: criteria provided, single submitter. Criteria: ACMG Guidelines, 2015. Collection method: clinical testing. Allele origin: inherited. Affected: yes.

OMIM
Classification: Pathogenic for CONGENITAL FIBROSIS OF EXTRAOCULAR MUSCLES 1. Last evaluated: 2008-03-01. Review status: no assertion criteria provided. Collection method: literature only. Allele origin: germline. Not counted in ClinVar's aggregate classification.

OMIM
Classification: Pathogenic for CONGENITAL FIBROSIS OF EXTRAOCULAR MUSCLES 3B. Last evaluated: 2008-03-01. Review status: no assertion criteria provided. Collection method: literature only. Allele origin: germline. Not counted in ClinVar's aggregate classification.

Literature cited by the submitters: PubMed 14595441 (cited by OMIM); PubMed 18332320 (cited by OMIM).